The following is an entry in ClinVar:

NM_152703.5(SAMD9L):c.1544A>G (p.His515Arg)

Gene: SAMD9L (sterile alpha motif domain containing 9 like; minus strand). Cytogenetic location: 7q21.2.
Variant type: single nucleotide variant.
Coding change: c.1544A>G on transcript NM_152703.5 (MANE Select); coding-DNA position 1544, A replaced by G.
Protein change: p.His515Arg; replaces histidine 515 with arginine.
Molecular consequence: missense variant.
Genome position (GRCh38, 1-based): chr7:93,134,428, T>C on the plus strand (A>G on the coding strand, the complement: SAMD9L is on the minus strand). VCF-style: chr7-93134428-T-C. GRCh37 (hg19) VCF-style: chr7-92763741-T-C.
Other names: c.1544A>G (NM_152703.2, NM_152703.3); c.1544A>G, p.His515Arg (NM_001303496.3, NM_001303497.3, NM_001303498.3 and 5 more transcripts); short protein forms H515R.
Identifiers: ClinVar variation 1946577 (VCV001946577.10), dbSNP rs764518200, ClinGen allele CA4343712.

ClinVar aggregate classification (germline): Uncertain significance. Review status: criteria provided, multiple submitters, no conflicts (2 of 4 stars). 4 submissions from 4 submitters: Uncertain significance (4). Last evaluated 2026-01-12.

Conditions:
SAMD9L-related disorder. Also called: SAMD9L-related condition; SAMD9L-related disorders.
Inborn genetic diseases. Identifiers: MedGen C0950123, MeSH D030342.

Allele frequency attached by ClinVar (database versions not stated): ExAC 0.00001; gnomAD 0.00002; TOPMed 0.00003.
gnomAD v4.1: 12 of 1,613,808 alleles (0.00074%); highest among the groups gnomAD compares: African/African-American, 0.0053%; no homozygotes.

Submissions (4):

PreventionGenetics, part of Exact Sciences
Classification: Uncertain significance for SAMD9L-related condition. Last evaluated: 2026-01-12. Review status: criteria provided, single submitter. Criteria: ACMG Guidelines, 2015. Collection method: clinical testing. Allele origin: germline.
Comment: The SAMD9L c.1544A>G variant is predicted to result in the amino acid substitution p.His515Arg. To our knowledge, this variant has not been reported in the literature. This variant is reported in 0.0081% of alleles in individuals of African descent in gnomAD. This variant is interpreted as uncertain significance in ClinVar (Variation ID: 1946577). At this time, the clinical significance of this variant is uncertain due to the absence of conclusive functional and genetic evidence.

Labcorp Genetics (formerly Invitae), Labcorp
Classification: Uncertain significance. Last evaluated: 2025-10-01. Review status: criteria provided, single submitter. Criteria: Invitae Variant Classification Sherloc (09022015). Collection method: clinical testing. Allele origin: germline.
Comment: This sequence change replaces histidine, which is basic and polar, with arginine, which is basic and polar, at codon 515 of the SAMD9L protein (p.His515Arg). This variant is present in population databases (rs764518200, gnomAD 0.008%). This variant has not been reported in the literature in individuals affected with SAMD9L-related conditions. ClinVar contains an entry for this variant (Variation ID: 1946577). Invitae Evidence Modeling of protein sequence and biophysical properties (such as structural, functional, and spatial information, amino acid conservation, physicochemical variation, residue mobility, and thermodynamic stability) indicates that this missense variant is not expected to disrupt SAMD9L protein function with a negative predictive value of 80%. In summary, the available evidence is currently insufficient to determine the role of this variant in disease. Therefore, it has been classified as a Variant of Uncertain Significance.

Ambry Genetics
Classification: Uncertain significance for Inborn genetic diseases. Last evaluated: 2024-12-02. Review status: criteria provided, single submitter. Criteria: Ambry Variant Classification Scheme 2023. Collection method: clinical testing. Allele origin: germline.
Comment: The p.H515R variant (also known as c.1544A>G), located in coding exon 1 of the SAMD9L gene, results from an A to G substitution at nucleotide position 1544. The histidine at codon 515 is replaced by arginine, an amino acid with highly similar properties. This amino acid position is conserved. In addition, this alteration is predicted to be tolerated by in silico analysis. Based on the available evidence, the clinical significance of this variant remains unclear.

GeneDx
Classification: Uncertain significance. Last evaluated: 2023-07-10. Review status: criteria provided, single submitter. Criteria: GeneDx Variant Classification Process June 2021. Collection method: clinical testing. Allele origin: germline. Affected: yes.
Comment: Not observed at significant frequency in large population cohorts (gnomAD); In silico analysis supports that this missense variant does not alter protein structure/function; Has not been previously published as pathogenic or benign to our knowledge